The following is an entry in ClinVar:

ClinVar aggregate classification (germline): Likely pathogenic (0 of 4 stars; one submission).

Allele frequency attached by ClinVar (database versions not stated): gnomAD 0.00001; TOPMed 0.00001; gnomAD exomes 0.00002.
gnomAD v4.1: 28 of 1,613,574 alleles (0.0017%); highest among the groups gnomAD compares: Admixed American, 0.0083%; no homozygotes.

Submission:

Institute of Anatomy and Cell Biology, Medical Faculty, University Of Bonn
Classification: Likely pathogenic. Last evaluated: 2023-08-16. Review status: no assertion criteria provided. Collection method: clinical testing. Allele origin: inherited. Affected: yes.
Comment: This variant was observed in compound heterozygosity with variant c.9299G>C

NM_001407.3(CELSR3):c.1574G>A (p.Arg525His)

Gene: CELSR3 (cadherin EGF LAG seven-pass G-type receptor 3; minus strand). Cytogenetic location: 3p21.31.
Variant type: single nucleotide variant.
Coding change: c.1574G>A on transcript NM_001407.3 (MANE Select); coding-DNA position 1574, G replaced by A.
Protein change: p.Arg525His; replaces arginine 525 with histidine.
Molecular consequence: missense variant.
Genome position (GRCh38, 1-based): chr3:48,661,061, C>T on the plus strand (G>A on the coding strand, the complement: CELSR3 is on the minus strand). VCF-style: chr3-48661061-C-T. GRCh37 (hg19) VCF-style: chr3-48698494-C-T.
Other names: short protein forms R525H.
Identifiers: ClinVar variation 2672059 (VCV002672059.1), dbSNP rs769126116, ClinGen allele CA2385407.
Genomic context (GRCh38, chr3:48,661,061, plus strand): 5'-AACTGAGGAGCATTGTCGTTCTCGTCTAGCACAGTTATGTGTACGCGCACAGTGGCCGAG[C>T]GCGGCCCGGGTTCCTGGCCCTGGTCGCTGGCTTCCACCACCAGCTCATAGCTTTCCATGT-3'
Protein context (NP_001398.2, residues 515-535): ASDQGQEPGP[Arg525His]SATVRVHITV